The following is an entry in ClinVar:

NM_015047.3(EMC1):c.1164del (p.Asp388fs)

Genes: EMC1 (ER membrane protein complex subunit 1; minus strand), EMC1-AS1 (EMC1 antisense RNA 1; plus strand). Cytogenetic location: 1p36.13.
Variant type: Deletion.
Coding change: c.1164del on transcript NM_015047.3 (MANE Select); coding-DNA position 1164, one base deleted (C; older notation c.1164delC).
Protein change: p.Asp388fs; shifts the reading frame from aspartic acid 388.
Molecular consequence: frameshift variant.
Genome position (GRCh38, 1-based): chr1:19,238,065, G deleted on the plus strand (C on the coding strand, the reverse complement: EMC1 is on the minus strand). VCF-style (leftmost placement, unchanged base first): chr1-19238064-TG-T. GRCh37 (hg19) VCF-style: chr1-19564558-TG-T.
Other names: c.1161del, p.Asp387fs (NM_001271427.2, NM_001375821.1); c.1164del, p.Asp388fs (NM_001271428.2, NM_001375820.1); c.1098del, p.Asp366fs (NM_001271429.2); short protein forms D366fs, D387fs, D388fs.
Identifiers: ClinVar variation 1453036 (VCV001453036.6), dbSNP rs2151955874, ClinGen allele CA2573130811.
Genomic context (GRCh38, chr1:19,238,064, plus strand): 5'-GGCTCTGCCTTACCCGCTCAGGCCGAGTGCCGCTCTGTTCCAGGCTAAATGTTATCGTGG[TG>T]TCCAGCAGCCGCCGACCTGTCTCCACGAGGTATAGGTTAATGGTGTAGGTCTGATTGAAG-3'

ClinVar aggregate classification (germline): Pathogenic (1 of 4 stars; one submission).

Submission:

Labcorp Genetics (formerly Invitae), Labcorp
Classification: Pathogenic. Last evaluated: 2021-12-07. Review status: criteria provided, single submitter. Criteria: Invitae Variant Classification Sherloc (09022015). Collection method: clinical testing. Allele origin: germline.
Comment: This variant has not been reported in the literature in individuals affected with EMC1-related conditions. This variant is not present in population databases (gnomAD no frequency). This sequence change creates a premature translational stop signal (p.Asp388Glufs*4) in the EMC1 gene. It is expected to result in an absent or disrupted protein product. Loss-of-function variants in EMC1 are known to be pathogenic (PMID: 26572623, 26942288, 29271071). For these reasons, this variant has been classified as Pathogenic.

Literature cited by the submitters: PubMed 26572623; PubMed 26942288; PubMed 29271071.